The following is an entry in ClinVar:

NM_004260.4(RECQL4):c.1511C>T (p.Thr504Ile)

Gene: RECQL4 (RecQ like helicase 4; minus strand). Cytogenetic location: 8q24.3.
Variant type: single nucleotide variant.
Coding change: c.1511C>T on transcript NM_004260.4 (MANE Select); coding-DNA position 1511, C replaced by T.
Protein change: p.Thr504Ile; replaces threonine 504 with isoleucine.
Molecular consequence: missense variant.
Genome position (GRCh38, 1-based): chr8:144,515,045, G>A on the plus strand (C>T on the coding strand, the complement: RECQL4 is on the minus strand). VCF-style: chr8-144515045-G-A. GRCh37 (hg19) VCF-style: chr8-145740429-G-A.
Other names: c.1511C>T (NM_004260.3); short protein forms T504I.
Identifiers: ClinVar variation 1046178 (VCV001046178.6), dbSNP rs183852597, ClinGen allele CA372684152.
Genomic context (GRCh38, chr8:144,515,045, plus strand): 5'-GGGCTGCGCCGGCTGTAGAGCAGCGCTGGGAGCTGGTAGCACAGGGACTTGCCGGCACCT[G>A]TAGGCAGCACCAGCAGCGTGGAGATGCCTGGATGGGGCGGGAGTCAGCAGCAGGGTTCTG-3'
Protein context (NP_004251.4, residues 494-514): SGISTLLVLP[Thr504Ile]GAGKSLCYQL

ClinVar aggregate classification (germline): Uncertain significance. Review status: criteria provided, multiple submitters, no conflicts (2 of 4 stars). 2 submissions from 2 submitters: Uncertain significance (2). Last evaluated 2025-05-28.

Conditions:
Baller-Gerold syndrome (BGS). Also called: CRANIOSYNOSTOSIS WITH RADIAL DEFECTS. Identifiers: Orphanet 1225, MedGen C0265308, MONDO:0009039, OMIM 218600.
Inborn genetic diseases. Identifiers: MedGen C0950123, MeSH D030342.

Allele frequency attached by ClinVar (database versions not stated): gnomAD exomes below 0.00001; gnomAD 0.00001.
gnomAD v4.1: 2 of 1,609,546 alleles (0.00012%); highest among the groups gnomAD compares: African/African-American, 0.0013%; no homozygotes.

Submissions (2):

Ambry Genetics
Classification: Uncertain significance for Inborn genetic diseases. Last evaluated: 2025-05-28. Review status: criteria provided, single submitter. Criteria: Ambry Variant Classification Scheme 2023. Collection method: clinical testing. Allele origin: germline.
Comment: The p.T504I variant (also known as c.1511C>T), located in coding exon 9 of the RECQL4 gene, results from a C to T substitution at nucleotide position 1511. The threonine at codon 504 is replaced by isoleucine, an amino acid with similar properties. This amino acid position is conserved. In addition, this alteration is predicted to be deleterious by in silico analysis. Based on the available evidence, the clinical significance of this variant remains unclear.

Labcorp Genetics (formerly Invitae), Labcorp
Classification: Uncertain significance for Baller-Gerold syndrome. Last evaluated: 2023-04-19. Review status: criteria provided, single submitter. Criteria: Invitae Variant Classification Sherloc (09022015). Collection method: clinical testing. Allele origin: germline.
Comment: This sequence change replaces threonine, which is neutral and polar, with isoleucine, which is neutral and non-polar, at codon 504 of the RECQL4 protein (p.Thr504Ile). In summary, the available evidence is currently insufficient to determine the role of this variant in disease. Therefore, it has been classified as a Variant of Uncertain Significance. Advanced modeling of protein sequence and biophysical properties (such as structural, functional, and spatial information, amino acid conservation, physicochemical variation, residue mobility, and thermodynamic stability) performed at Invitae indicates that this missense variant is expected to disrupt RECQL4 protein function. ClinVar contains an entry for this variant (Variation ID: 1046178). This variant has not been reported in the literature in individuals affected with RECQL4-related conditions. This variant is not present in population databases (gnomAD no frequency).